The following is an entry in ClinVar:

ClinVar aggregate classification (germline): Uncertain significance. Review status: criteria provided, multiple submitters, no conflicts (2 of 4 stars). 2 submissions from 2 submitters: Uncertain significance (2). Last evaluated 2021-09-08.

Allele frequency attached by ClinVar (database versions not stated): ExAC 0.00001; gnomAD 0.00001; gnomAD exomes 0.00001; TOPMed 0.00001; ESP Exome Variant Server 0.00008.
gnomAD v4.1: 18 of 1,609,568 alleles (0.0011%); highest among the groups gnomAD compares: African/African-American, 0.0013%; no homozygotes.

Submissions (2):

Blueprint Genetics
Classification: Uncertain significance. Last evaluated: 2021-09-08. Review status: criteria provided, single submitter. Criteria: ACMG Guidelines, 2015. Collection method: clinical testing. Allele origin: germline.

GeneDx
Classification: Uncertain significance. Last evaluated: 2017-03-23. Review status: criteria provided, single submitter. Criteria: GeneDx Variant Classification (06012015). Collection method: clinical testing. Allele origin: germline. Affected: yes.
Comment: The E715K variant in the SPG7 gene has not been reported previously as a pathogenic variant, nor as a benign variant, to our knowledge. The E715K variant is not observed at a significant frequency in large population cohorts (Lek et al., 2016; 1000 Genomes Consortium et al., 2015; Exome Variant Server). The E715K variant is a non-conservative amino acid substitution, which is likely to impact secondary protein structure as these residues differ in polarity, charge, size and/or other properties. This substitution occurs at a position that is conserved across species, and in silico analysis predicts this variant is probably damaging to the protein structure/function. We interpret E715K as a variant of uncertain significance.

NM_003119.4(SPG7):c.2143G>A (p.Glu715Lys)

Gene: SPG7 (SPG7 matrix AAA peptidase subunit, paraplegin; plus strand). Cytogenetic location: 16q24.3.
Variant type: single nucleotide variant.
Coding change: c.2143G>A on transcript NM_003119.4 (MANE Select); coding-DNA position 2143, G replaced by A.
Protein change: p.Glu715Lys; replaces glutamic acid 715 with lysine.
Molecular consequence: missense variant.
Genome position (GRCh38, 1-based): chr16:89,554,525, G>A. VCF-style: chr16-89554525-G-A. GRCh37 (hg19) VCF-style: chr16-89620933-G-A.
Other names: c.2143G>A, p.Glu715Lys (NM_001363850.1); short protein forms E715K.
Identifiers: ClinVar variation 424490 (VCV000424490.3), dbSNP rs374302115, ClinGen allele CA8244556.